The following is an entry in ClinVar:

ClinVar aggregate classification (germline): Likely benign (1 of 4 stars; one submission).

Allele frequency attached by ClinVar (database versions not stated): gnomAD exomes below 0.00001.
gnomAD v4.1: 1 of 1,614,196 alleles (0.000062%); highest among the groups gnomAD compares: South Asian, 0.0011%; no homozygotes.

Submission:

CeGaT Center for Human Genetics Tuebingen
Classification: Likely benign. Last evaluated: 2022-04-01. Review status: criteria provided, single submitter. Criteria: CeGaT Center For Human Genetics Tuebingen Variant Classification Criteria Version 2. Collection method: clinical testing. Allele origin: germline. Affected: yes. Observed: 1 variant allele.
Comment: KMT5B: PM2:Supporting, BP4, BP7

NM_017635.5(KMT5B):c.267T>C (p.Leu89=)

Gene: KMT5B (lysine methyltransferase 5B; minus strand). Cytogenetic location: 11q13.2.
Variant type: single nucleotide variant.
Coding change: c.267T>C on transcript NM_017635.5 (MANE Select); coding-DNA position 267, T replaced by C.
Protein change: p.Leu89=; no amino-acid change (leucine 89 retained).
Molecular consequence: synonymous variant. On other transcripts: non-coding transcript variant (3), intron variant (1), 5 prime UTR variant (8).
Genome position (GRCh38, 1-based): chr11:68,185,822, A>G on the plus strand (T>C on the coding strand, the complement: KMT5B is on the minus strand). VCF-style: chr11-68185822-A-G. GRCh37 (hg19) VCF-style: chr11-67953289-A-G.
Other names: c.-209+4095T>C (NM_001369429.1); c.-318T>C (NM_001300907.1); c.-401T>C (NM_001300908.2); c.267T>C, p.Leu89= (NM_001300909.2, NM_001363566.2, NM_001369426.1 and 2 more transcripts); c.-397T>C (NM_001369424.1, NM_001369431.1, NM_001369432.1); c.54T>C, p.Leu18= (NM_001369425.1); c.-611T>C (NM_001369428.1); c.-328T>C (NM_001369430.1); and 1 more.
Identifiers: ClinVar variation 2642039 (VCV002642039.24), dbSNP rs2495541693, ClinGen allele CA475457816.